The following is an entry in ClinVar:

ClinVar aggregate classification (germline): Uncertain significance. Review status: criteria provided, multiple submitters, no conflicts (2 of 4 stars). 2 submissions from 2 submitters: Uncertain significance (2). Last evaluated 2025-11-12.

Allele frequency attached by ClinVar (database versions not stated): ExAC 0.00001; gnomAD exomes 0.00002; TOPMed 0.00002; gnomAD 0.00003; ESP Exome Variant Server 0.00008.
gnomAD v4.1: 30 of 1,613,996 alleles (0.0019%); highest among the groups gnomAD compares: Non-Finnish European, 0.0023%; no homozygotes.

Submissions (2):

Ambry Genetics
Classification: Uncertain significance. Last evaluated: 2025-11-12. Review status: criteria provided, single submitter. Criteria: Ambry Variant Classification Scheme 2023. Collection method: clinical testing. Allele origin: germline.

Labcorp Genetics (formerly Invitae), Labcorp
Classification: Uncertain significance. Last evaluated: 2024-07-25. Review status: criteria provided, single submitter. Criteria: Invitae Variant Classification Sherloc (09022015). Collection method: clinical testing. Allele origin: germline.
Comment: This sequence change replaces arginine, which is basic and polar, with tryptophan, which is neutral and slightly polar, at codon 492 of the ZNF687 protein (p.Arg492Trp). This variant is present in population databases (rs371171135, gnomAD 0.002%). This variant has not been reported in the literature in individuals affected with ZNF687-related conditions. ClinVar contains an entry for this variant (Variation ID: 2204348). An algorithm developed to predict the effect of missense changes on protein structure and function (PolyPhen-2) suggests that this variant is likely to be disruptive. In summary, the available evidence is currently insufficient to determine the role of this variant in disease. Therefore, it has been classified as a Variant of Uncertain Significance.

NM_020832.3(ZNF687):c.1474C>T (p.Arg492Trp)

Gene: ZNF687 (zinc finger protein 687; plus strand). Cytogenetic location: 1q21.3.
Variant type: single nucleotide variant.
Coding change: c.1474C>T on transcript NM_020832.3 (MANE Select); coding-DNA position 1474, C replaced by T.
Protein change: p.Arg492Trp; replaces arginine 492 with tryptophan.
Molecular consequence: missense variant.
Genome position (GRCh38, 1-based): chr1:151,287,765, C>T. VCF-style: chr1-151287765-C-T. GRCh37 (hg19) VCF-style: chr1-151260241-C-T.
Other names: c.1474C>T, p.Arg492Trp (NM_001304763.2, NM_001304764.2); short protein forms R492W.
Identifiers: ClinVar variation 2204348 (VCV002204348.6), dbSNP rs371171135, ClinGen allele CA1088343.